The following is an entry in ClinVar:

NM_000173.7(GP1BA):c.895G>A (p.Asp299Asn)

Gene: GP1BA (glycoprotein Ib platelet subunit alpha; plus strand). Cytogenetic location: 17p13.2.
Variant type: single nucleotide variant.
Coding change: c.895G>A on transcript NM_000173.7 (MANE Select); coding-DNA position 895, G replaced by A.
Protein change: p.Asp299Asn; replaces aspartic acid 299 with asparagine.
Molecular consequence: missense variant.
Genome position (GRCh38, 1-based): chr17:4,933,499, G>A. VCF-style: chr17-4933499-G-A. GRCh37 (hg19) VCF-style: chr17-4836794-G-A.
Other names: short protein forms D299N.
Identifiers: ClinVar variation 4980230 (VCV004980230.1).

ClinVar aggregate classification (germline): Uncertain significance (1 of 4 stars; one submission).

Conditions:
GP1BA-related disorder. Also called: GP1BA-related condition.

gnomAD v4.1: 31 of 1,613,746 alleles (0.0019%); highest among the groups gnomAD compares: Non-Finnish European, 0.0026%; no homozygotes.

Submission:

PreventionGenetics, part of Exact Sciences
Classification: Uncertain significance for GP1BA-related condition. Last evaluated: 2026-05-12. Review status: criteria provided, single submitter. Criteria: ACMG Guidelines, 2015. Collection method: clinical testing. Allele origin: germline.
Comment: The GP1BA c.895G>A variant is predicted to result in the amino acid substitution p.Asp299Asn. To our knowledge, this variant has not been reported in the literature. This variant is reported in 0.0047% of alleles in individuals of European (Non-Finnish) descent in gnomAD. At this time, the clinical significance of this variant is uncertain due to the absence of conclusive functional and genetic evidence.